The following is an entry in ClinVar:

ClinVar aggregate classification (germline): Conflicting classifications of pathogenicity. Review status: criteria provided, conflicting classifications (1 of 4 stars). 2 submissions from 2 submitters: Uncertain significance (1); Likely benign (1). Last evaluated 2025-12-08.

Conditions:
Inborn genetic diseases. Identifiers: MedGen C0950123, MeSH D030342.

Allele frequency attached by ClinVar (database versions not stated): gnomAD exomes 0.00001; ExAC 0.00002; TOPMed 0.00003.
gnomAD v4.1: 29 of 1,613,928 alleles (0.0018%); highest among the groups gnomAD compares: African/African-American, 0.011%; no homozygotes.

Submissions (2):

Labcorp Genetics (formerly Invitae), Labcorp
Classification: Uncertain significance. Last evaluated: 2025-12-08. Review status: criteria provided, single submitter. Criteria: Invitae Variant Classification Sherloc (09022015). Collection method: clinical testing. Allele origin: germline.
Comment: This sequence change replaces threonine, which is neutral and polar, with isoleucine, which is neutral and non-polar, at codon 896 of the SETD5 protein (p.Thr896Ile). This variant is present in population databases (rs770931503, gnomAD 0.006%). This variant has not been reported in the literature in individuals affected with SETD5-related conditions. ClinVar contains an entry for this variant (Variation ID: 1400653). Invitae Evidence Modeling of protein sequence and biophysical properties (such as structural, functional, and spatial information, amino acid conservation, physicochemical variation, residue mobility, and thermodynamic stability) indicates that this missense variant is not expected to disrupt SETD5 protein function with a negative predictive value of 80%. In summary, the available evidence is currently insufficient to determine the role of this variant in disease. Therefore, it has been classified as a Variant of Uncertain Significance.

Ambry Genetics
Classification: Likely benign for Inborn genetic diseases. Last evaluated: 2025-11-05. Review status: criteria provided, single submitter. Criteria: Ambry Variant Classification Scheme 2023. Collection method: clinical testing. Allele origin: germline.

NM_001080517.3(SETD5):c.2687C>T (p.Thr896Ile)

Gene: SETD5 (SET domain containing 5; plus strand). Cytogenetic location: 3p25.3.
Variant type: single nucleotide variant.
Coding change: c.2687C>T on transcript NM_001080517.3 (MANE Select); coding-DNA position 2687, C replaced by T.
Protein change: p.Thr896Ile; replaces threonine 896 with isoleucine.
Molecular consequence: missense variant.
Genome position (GRCh38, 1-based): chr3:9,464,635, C>T. VCF-style: chr3-9464635-C-T. GRCh37 (hg19) VCF-style: chr3-9506319-C-T.
Other names: c.2393C>T, p.Thr798Ile (NM_001292043.2, NM_001349451.2); c.2687C>T (NM_001080517.1); short protein forms T896I, T798I.
Identifiers: ClinVar variation 1400653 (VCV001400653.10), dbSNP rs770931503, ClinGen allele CA2239499.
Genomic context (GRCh38, chr3:9,464,635, plus strand): 5'-CAGGAGAAGAGGAGTGTCGAAATGGATACAGCCTCATGTTTTCACCAGTCACATCTCTTA[C>T]TACTGCTAGTCGCTGCAACACTCCTCTACAGTTTGAGGTGATTTGGGTTTGGTTGCTGGG-3'
Protein context (NP_001073986.1, residues 886-906): SLMFSPVTSL[Thr896Ile]TASRCNTPLQ